The following is an entry in ClinVar:

ClinVar aggregate classification (germline): Uncertain significance (1 of 4 stars; one submission).

Allele frequency attached by ClinVar (database versions not stated): gnomAD exomes below 0.00001.
gnomAD v4.1: 1 of 1,614,134 alleles (0.000062%); highest among the groups gnomAD compares: Non-Finnish European, 0.000085%; no homozygotes.

Submission:

Labcorp Genetics (formerly Invitae), Labcorp
Classification: Uncertain significance. Last evaluated: 2022-03-07. Review status: criteria provided, single submitter. Criteria: Invitae Variant Classification Sherloc (09022015). Collection method: clinical testing. Allele origin: germline.
Comment: This sequence change replaces isoleucine, which is neutral and non-polar, with threonine, which is neutral and polar, at codon 503 of the DUOX2 protein (p.Ile503Thr). This variant is not present in population databases (gnomAD no frequency). This variant has not been reported in the literature in individuals affected with DUOX2-related conditions. Advanced modeling of protein sequence and biophysical properties (such as structural, functional, and spatial information, amino acid conservation, physicochemical variation, residue mobility, and thermodynamic stability) performed at Invitae indicates that this missense variant is expected to disrupt DUOX2 protein function. In summary, the available evidence is currently insufficient to determine the role of this variant in disease. Therefore, it has been classified as a Variant of Uncertain Significance.

NM_001363711.2(DUOX2):c.1508T>C (p.Ile503Thr)

Gene: DUOX2 (dual oxidase 2; minus strand). Cytogenetic location: 15q21.1.
Variant type: single nucleotide variant.
Coding change: c.1508T>C on transcript NM_001363711.2 (MANE Select); coding-DNA position 1508, T replaced by C.
Protein change: p.Ile503Thr; replaces isoleucine 503 with threonine.
Molecular consequence: missense variant.
Genome position (GRCh38, 1-based): chr15:45,108,113, A>G on the plus strand (T>C on the coding strand, the complement: DUOX2 is on the minus strand). VCF-style: chr15-45108113-A-G. GRCh37 (hg19) VCF-style: chr15-45400311-A-G.
Other names: c.1508T>C, p.Ile503Thr (NM_014080.5); short protein forms I503T.
Identifiers: ClinVar variation 1361240 (VCV001361240.5), dbSNP rs2141153639, ClinGen allele CA392276485.
Genomic context (GRCh38, chr15:45,108,113, plus strand): 5'-CTGGTGTTCTCAAACCAGTAGCGGTCACCATCCCGCAGCCGTACAAACTGGTCGAGGACA[A>G]TGGCACTGAACAGGGGTCCAGGGTCCCCATGGCTCTCCAGGAGCCCCCCAAGGAGCAGCT-3'
Protein context (NP_001350640.1, residues 493-513): HGDPGPLFSA[Ile503Thr]VLDQFVRLRD